The following is an entry in ClinVar:

NM_001372044.2(SHANK3):c.3865dup (p.Ala1289fs)

Gene: SHANK3 (SH3 and multiple ankyrin repeat domains 3; plus strand). Cytogenetic location: 22q13.33.
Variant type: Duplication.
Coding change: c.3865dup on transcript NM_001372044.2 (MANE Select); coding-DNA position 3865, one base duplicated (G; older notation c.3865dupG).
Protein change: p.Ala1289fs; shifts the reading frame from alanine 1289.
Molecular consequence: frameshift variant.
Genome position (GRCh38, 1-based): chr22:50,721,473, G duplicated. VCF-style (leftmost placement, unchanged base first): chr22-50721472-C-CG. GRCh37 (hg19) VCF-style: chr22-51159900-C-CG.
Other names: c.3865dupG (NM_001372044.2); short protein forms A1289fs.
Identifiers: ClinVar variation 1334393 (VCV001334393.11), dbSNP rs2146831793, ClinGen allele CA2573055035.

ClinVar aggregate classification (germline): Pathogenic. Review status: criteria provided, multiple submitters, no conflicts (2 of 4 stars). 7 submissions from 7 submitters: Pathogenic (7). Last evaluated 2025-11-26.

Conditions:
Phelan-McDermid syndrome. Also called: TELOMERIC 22q13 MONOSOMY SYNDROME; 22q13.3 deletion syndrome; Phelan-McDermid Syndrome-SHANK3 Related. Identifiers: Orphanet 48652, MedGen C1853490, MONDO:0011652, OMIM 606232.

Submissions (7):

Women's Health and Genetics/Laboratory Corporation of America, LabCorp
Classification: Pathogenic for Phelan-McDermid syndrome. Last evaluated: 2025-11-26. Review status: criteria provided, single submitter. Criteria: LabCorp Variant Classification Summary - May 2015. Collection method: clinical testing. Allele origin: germline.
Comment: Variant summary: SHANK3 c.3865dupG (p.Ala1289GlyfsX69) results in a premature termination codon, predicted to cause a truncation of the encoded protein or absence of the protein due to nonsense mediated decay, which are commonly known mechanisms for disease. The variant allele was found at a frequency of 9.9e-05 in 160994 control chromosomes (gnomAD). However, based on the read data, allele fraction is very low in most reported individuals, and gnomAD also flagged this variant as a low confidence entry. The variant (reported as c.3679dup, p.A1227Gfs*69, and c.3727dup, p.A1243Gfs*69) has been observed in several individuals affected with Phelan-McDermid Syndrome (e.g. Durand_2007, Loureiro_2021, Chen_2022), and in several cases de novo occurrence was confirmed. These data indicate that the variant is very likely to be associated with disease. At least one publication reported experimental evidence evaluating an impact on protein function, and demonstrated no synaptic localization, which was observed with the wildtype sequence (Durand_2007). The following publications have been ascertained in the context of this evaluation (PMID: 17173049, 34737294, 36081626). ClinVar contains an entry for this variant (Variation ID: 208759). Based on the evidence outlined above, the variant was classified as pathogenic.

Variantyx, Inc.
Classification: Pathogenic for Phelan-McDermid syndrome. Last evaluated: 2025-03-22. Review status: criteria provided, single submitter. Criteria: Variantyx Assertion Criteria 2022. Collection method: clinical testing. Allele origin: de novo. Affected: yes.
Comment: This is a frameshift variant in the SHANK3 gene (OMIM: 606230). Pathogenic variants in this gene have been associated with autosomal dominant Phelan-McDermid syndrome. This variant introduces a premature termination codon in exon 22 out of 23. It is expected to result in loss of function, which is a known disease mechanism for SHANK3 in this disorder (PMID: 25188300) (PVS1). This variant has been reported in at least multiple unrelated affected individual(s) (PMID: 34737294) (PS4_Moderate). This variant has a 0.0038% maximum allele frequency in non-founder control populations. Based on the current evidence, this variant is classified as pathogenic for autosomal dominant Phelan-McDermid syndrome.

Genetics Laboratory, UDIAT-Centre Diagnòstic, Hospital Universitari Parc Tauli
Classification: Pathogenic for Phelan-McDermid syndrome. Last evaluated: 2024-11-06. Review status: criteria provided, single submitter. Criteria: ACMG Guidelines, 2015. Collection method: clinical testing. Allele origin: unknown. Inheritance: Autosomal dominant inheritance. Affected: yes.
Comment: PVS1_very strong;PS4_strong

Equipe Genetique des Anomalies du Developpement, Université de Bourgogne
Classification: Pathogenic for Phelan-McDermid syndrome. Last evaluated: 2023-11-12. Review status: criteria provided, single submitter. Criteria: ACMG Guidelines, 2015. Collection method: clinical testing. Allele origin: unknown. Inheritance: Autosomal dominant inheritance. Affected: yes.

3billion
Classification: Pathogenic for Phelan-McDermid syndrome. Last evaluated: 2022-09-01. Review status: criteria provided, single submitter. Criteria: ACMG Guidelines, 2015. Collection method: clinical testing. Allele origin: germline. Affected: yes. Observed: 1 heterozygote.
Comment: The variant is observed at an allele frequency greater than expected for the associated disorder in the gnomAD v2.1.1 dataset. However, the variant is of a low quality and therefore the allele frequency information is unreliable. Frameshift variant is predicted to result in a loss or disruption of normal protein function through nonsense-mediated decay (NMD) or protein truncation. Multiple pathogenic variants are reported downstream of the variant. The variant has been reported at least twice as pathogenic with clinical assertions and evidence for the classification (ClinVar ID: VCV000208759). Therefore, this variant is classified as Pathogenic according to the recommendation of ACMG/AMP guideline.

Clinical Genetics Service, Universitary Hospital 12 de Octubre
Classification: Pathogenic for Phelan-McDermid syndrome. Review status: criteria provided, single submitter. Criteria: ACMG Guidelines, 2015. Collection method: clinical testing. Allele origin: de novo. Affected: yes.

Juno Genomics, Hangzhou Juno Genomics, Inc
Classification: Pathogenic for Phelan-McDermid syndrome. Review status: criteria provided, single submitter. Criteria: ACMG Guidelines, 2015. Collection method: clinical testing. Allele origin: germline. Affected: yes.
Comment: Null variant in a gene where loss of function (LOF) is a known mechanism of disease.;Absent from controls (or at extremely low frequency if recessive) in Genome Aggregation Database, Exome Sequencing Project, 1000 Genomes Project, or Exome Aggregation Consortium.;The prevalence of the variant in affected individuals is significantly increased compared to the prevalence in controls.;Assumed de novo, but without confirmation of paternity and maternity.

Literature cited by the submitters: PubMed 17173049 (cited by Women's Health and Genetics/Laboratory Corporation of America, LabCorp); PubMed 36081626 (cited by Women's Health and Genetics/Laboratory Corporation of America, LabCorp); PubMed 34737294 (cited by Women's Health and Genetics/Laboratory Corporation of America, LabCorp).